The following is an entry in ClinVar:

ClinVar aggregate classification (germline): Likely pathogenic (1 of 4 stars; one submission).

Conditions:
Aortic valve disease 1 (AOVD1). Identifiers: MedGen C3887892, MONDO:0024523, OMIM 109730.
Adams-Oliver syndrome 5 (AOS5). Identifiers: Orphanet 974, MedGen C4014970, MONDO:0014459, OMIM 616028.

Submission:

Molecular Genetics Department, Kulakov National Medical Research Center for Obstetrics, Gynecology and Perinatology
Classification: Likely pathogenic for Aortic valve disease 1; Adams-Oliver syndrome 5. Review status: criteria provided, single submitter. Criteria: ACMG Guidelines, 2015. Collection method: clinical testing. Allele origin: germline. Affected: yes. Observed: 1 variant allele.
Comment: A previously undescribed heterozygous nucleotide variant creates a premature translation stop signal p.Tyr1398Ter in the NOTCH1 gene. Heterozygous variants are reported in patients with adams-Oliver syndrome 5, 616028. The variant is not present in population database (gnomAD no frequency). In summary, the currently available evidence indicates that the variant is pathogenic, but additional data are needed to prove that conclusively. Therefore, this variant has been classified as likely pathogenic.

NM_017617.5(NOTCH1):c.4194C>G (p.Tyr1398Ter)

Gene: NOTCH1 (notch receptor 1; minus strand). Cytogenetic location: 9q34.3.
Variant type: single nucleotide variant.
Coding change: c.4194C>G on transcript NM_017617.5 (MANE Select); coding-DNA position 4194, C replaced by G.
Protein change: p.Tyr1398Ter; replaces tyrosine 1398 with a stop codon.
Molecular consequence: nonsense.
Genome position (GRCh38, 1-based): chr9:136,505,702, G>C on the plus strand (C>G on the coding strand, the complement: NOTCH1 is on the minus strand). VCF-style: chr9-136505702-G-C. GRCh37 (hg19) VCF-style: chr9-139400154-G-C.
Other names: short protein forms Y1398*.
Identifiers: ClinVar variation 4294537 (VCV004294537.1).
Genomic context (GRCh38, chr9:136,505,702, plus strand): 5'-GGCGGGGCACAGGCAACGGTAGAAGGGGCTCTCGGATGTGGGCTCACAGGTCCCCTGGTT[G>C]TAGCAGGGGTTGCCGCCCAGGCAGGGGCTGCTGGCCGGGAACTGGCATTCGGGGCCCGTG-3'